The following is an entry in ClinVar:

ClinVar aggregate classification (germline): Pathogenic/Likely pathogenic. Review status: criteria provided, multiple submitters, no conflicts (2 of 4 stars). 7 submissions from 7 submitters: Pathogenic (2); Likely pathogenic (4). 1 of the submissions does not count toward it. Last evaluated 2026-01-26.

Conditions:
FAH-related disorders.
Tyrosinemia type I (TYRSN1). Also called: Deficiency of fumarylacetoacetase; HEPATORENAL TYROSINEMIA; FAH DEFICIENCY; Tyrosinemia type 1; Fumarylacetoacetase deficiency. Identifiers: Orphanet 882, MedGen C0268490, MONDO:0010161, OMIM 276700. Disease mechanism: loss of function.

Allele frequency attached by ClinVar (database versions not stated): gnomAD exomes below 0.00001.

Submissions (7):

Myriad Genetics, Inc.
Classification: Likely pathogenic for Tyrosinemia type I. Last evaluated: 2026-01-26. Review status: criteria provided, single submitter. Criteria: Myriad Autosomal Dominant, Autosomal Recessive and X-Linked Classification Criteria (2023). Collection method: clinical testing. Allele origin: unknown.
Comment: NM_000137.2(FAH):c.1141A>G(R381G) is a missense variant classified as likely pathogenic in the context of tyrosinemia type I. R381G has been observed in cases with relevant disease (PMID: 7757089, 14691918, Bergeron_2020_(Article)). Relevant functional assessments of this variant are available in the literature (PMID: 31300554). Internal structural analysis of the variant is supportive of pathogenicity. R381G has not been observed in referenced population frequency databases. In summary, NM_000137.2(FAH):c.1141A>G(R381G) is a missense variant that has internal structural support for pathogenicity and has been observed more frequently in cases with the relevant disease than in healthy populations. Please note: this variant was assessed in the context of healthy population screening.

Natera, Inc.
Classification: Likely pathogenic for Tyrosinemia type I. Last evaluated: 2024-06-28. Review status: criteria provided, single submitter. Criteria: Natera Variant Classification Schema (03/2026). Collection method: clinical testing. Allele origin: germline.
Comment: The c.1141A>G variant in FAH is a missense variant predicted to cause substitution of arginine to glycine at amino acid 381. This variant is rare in the general population with a frequency below the threshold expected for the associated phenotype(s). This variant has been observed in one or more individuals affected with the associated recessive disease, as either homozygous or compound heterozygous with a second variant (PMID: 14691918, 7757089). Computational prediction algorithms indicate this variant is likely to affect gene or protein function. Given the available evidence, this variant is classified as Likely Pathogenic.

Fulgent Genetics
Classification: Likely pathogenic for Tyrosinemia type I. Last evaluated: 2024-06-05. Review status: criteria provided, single submitter. Criteria: ACMG Guidelines, 2015. Collection method: clinical testing. Allele origin: germline.

Baylor Genetics
Classification: Pathogenic for Tyrosinemia type I. Last evaluated: 2024-02-04. Review status: criteria provided, single submitter. Criteria: ACMG Guidelines, 2015. Collection method: clinical testing. Allele origin: unknown.

Labcorp Genetics (formerly Invitae), Labcorp
Classification: Pathogenic for Tyrosinemia type I. Last evaluated: 2023-01-01. Review status: criteria provided, single submitter. Criteria: Invitae Variant Classification Sherloc (09022015). Collection method: clinical testing. Allele origin: germline.
Comment: For these reasons, this variant has been classified as Pathogenic. Experimental studies have shown that this missense change affects FAH function (PMID: 31300554). Advanced modeling of protein sequence and biophysical properties (such as structural, functional, and spatial information, amino acid conservation, physicochemical variation, residue mobility, and thermodynamic stability) performed at Invitae indicates that this missense variant is not expected to disrupt FAH protein function. ClinVar contains an entry for this variant (Variation ID: 11872). This missense change has been observed in individual(s) with clinical features of tyrosinemia type 1 (PMID: 7757089; Invitae). In at least one individual the data is consistent with being in trans (on the opposite chromosome) from a pathogenic variant. This variant is not present in population databases (gnomAD no frequency). This sequence change replaces arginine, which is basic and polar, with glycine, which is neutral and non-polar, at codon 381 of the FAH protein (p.Arg381Gly).

Blueprint Genetics
Classification: Likely pathogenic for FAH-related disorders. Last evaluated: 2021-09-10. Review status: criteria provided, single submitter. Criteria: ACMG Guidelines, 2015. Collection method: clinical testing. Allele origin: germline. Affected: yes. Observed: 3 variant alleles.

OMIM
Classification: Pathogenic for TYROSINEMIA, TYPE I. Last evaluated: 1995-02-01. Review status: no assertion criteria provided. Collection method: literature only. Allele origin: germline. Not counted in ClinVar's aggregate classification.

Literature cited by the submitters: PubMed 31300554 (cited by Myriad Genetics, Inc. and Labcorp Genetics (formerly Invitae), Labcorp); PubMed 14691918 (cited by Natera, Inc.); PubMed 7757089 (cited by 3 submitters).

NM_000137.4(FAH):c.1141A>G (p.Arg381Gly)

Gene: FAH (fumarylacetoacetate hydrolase; plus strand). Cytogenetic location: 15q25.1.
Variant type: single nucleotide variant.
Coding change: c.1141A>G on transcript NM_000137.4 (MANE Select); coding-DNA position 1141, A replaced by G.
Protein change: p.Arg381Gly; replaces arginine 381 with glycine.
Molecular consequence: missense variant.
Genome position (GRCh38, 1-based): chr15:80,181,120, A>G. VCF-style: chr15-80181120-A-G. GRCh37 (hg19) VCF-style: chr15-80473462-A-G.
Other names: c.1141A>G, p.Arg381Gly (NM_001374377.1, NM_001374380.1); short protein forms R381G.
Identifiers: ClinVar variation 11872 (VCV000011872.19), dbSNP rs121965077, ClinGen allele CA256105.
Genomic context (GRCh38, chr15:80,181,120, plus strand): 5'-TCCATGTTGGAACTGTCGTGGAAGGGAACGAAGCCCATAGACCTGGGGAATGGTCAGACC[A>G]GGAAGTTTCTGCTGGACGGGGATGAAGTCATCATAACAGGTGAGGGCTGCCAAACCCAGC-3'
Protein context (NP_000128.1, residues 371-391): KPIDLGNGQT[Arg381Gly]KFLLDGDEVI